The following is an entry in ClinVar:

NM_015272.5(RPGRIP1L):c.1785T>A (p.Asp595Glu)

Gene: RPGRIP1L (RPGRIP1 like; minus strand). Cytogenetic location: 16q12.2.
Variant type: single nucleotide variant.
Coding change: c.1785T>A on transcript NM_015272.5 (MANE Select); coding-DNA position 1785, T replaced by A.
Protein change: p.Asp595Glu; replaces aspartic acid 595 with glutamic acid.
Molecular consequence: missense variant.
Genome position (GRCh38, 1-based): chr16:53,652,902, A>T on the plus strand (T>A on the coding strand, the complement: RPGRIP1L is on the minus strand). VCF-style: chr16-53652902-A-T. GRCh37 (hg19) VCF-style: chr16-53686814-A-T.
Other names: c.1785T>A, p.Asp595Glu (NM_001127897.4, NM_001308334.3, NM_001330538.2); short protein forms D595E.
Identifiers: ClinVar variation 1485458 (VCV001485458.7), dbSNP rs775017742, ClinGen allele CA8057702.

ClinVar aggregate classification (germline): Uncertain significance. Review status: criteria provided, multiple submitters, no conflicts (2 of 4 stars). 2 submissions from 2 submitters: Uncertain significance (2). Last evaluated 2021-11-12.

Conditions:
Meckel-Gruber syndrome. Also called: DYSENCEPHALIA SPLANCHNOCYSTICA; GRUBER SYNDROME; Dysencephalia splachnocystica. Identifiers: Orphanet 564, MedGen C0265215, MONDO:0018921.
Joubert syndrome. Also called: CEREBELLOPARENCHYMAL DISORDER IV; JOUBERT-BOLTSHAUSER SYNDROME; Familial aplasia of the vermis. Identifiers: Orphanet 475, MedGen C5979921, MONDO:0018772.
Meckel syndrome, type 5 (MKS5). Identifiers: Orphanet 564, MedGen C1969052, MONDO:0012695, OMIM 611561.
Joubert syndrome 7 (JBTS7). Identifiers: Orphanet 220497, MedGen C1969053, MONDO:0012694, OMIM 611560.
COACH syndrome 3. Identifiers: MedGen C5436841, MONDO:0030862, OMIM 619113.

Allele frequency attached by ClinVar (database versions not stated): gnomAD exomes below 0.00001; ExAC 0.00001; gnomAD 0.00001.
gnomAD v4.1: 3 of 1,612,924 alleles (0.00019%); highest among the groups gnomAD compares: Non-Finnish European, 0.00025%; no homozygotes.

Submissions (2):

Fulgent Genetics
Classification: Uncertain significance for Joubert syndrome 7; Meckel syndrome, type 5; COACH syndrome 3. Last evaluated: 2021-11-12. Review status: criteria provided, single submitter. Criteria: ACMG Guidelines, 2015. Collection method: clinical testing. Allele origin: unknown.

Labcorp Genetics (formerly Invitae), Labcorp
Classification: Uncertain significance for Joubert syndrome; Meckel-Gruber syndrome. Last evaluated: 2021-10-11. Review status: criteria provided, single submitter. Criteria: Invitae Variant Classification Sherloc (09022015). Collection method: clinical testing. Allele origin: germline.
Comment: In summary, the available evidence is currently insufficient to determine the role of this variant in disease. Therefore, it has been classified as a Variant of Uncertain Significance. Algorithms developed to predict the effect of sequence changes on RNA splicing suggest that this variant may create or strengthen a splice site. Algorithms developed to predict the effect of missense changes on protein structure and function (SIFT, PolyPhen-2, Align-GVGD) all suggest that this variant is likely to be tolerated. This variant has not been reported in the literature in individuals affected with RPGRIP1L-related conditions. This variant is present in population databases (rs775017742, ExAC 0.002%). This sequence change replaces aspartic acid with glutamic acid at codon 595 of the RPGRIP1L protein (p.Asp595Glu). The aspartic acid residue is highly conserved and there is a small physicochemical difference between aspartic acid and glutamic acid.